The following is an entry in ClinVar:

NM_018706.7(DHTKD1):c.1757-3A>G

Gene: DHTKD1 (dehydrogenase E1 and transketolase domain containing 1; plus strand). Cytogenetic location: 10p14.
Variant type: single nucleotide variant.
Coding change: c.1757-3A>G on transcript NM_018706.7 (MANE Select); 3 bases into the intron before coding-DNA position 1757, A replaced by G.
Molecular consequence: intron variant.
Genome position (GRCh38, 1-based): chr10:12,101,039, A>G. VCF-style: chr10-12101039-A-G. GRCh37 (hg19) VCF-style: chr10-12143038-A-G.
Identifiers: ClinVar variation 3723935 (VCV003723935.2).
Genomic context (GRCh38, chr10:12,101,039, plus strand): 5'-TCACCACACCTTATTATTAGGTTATTTATGGGAATCTGACTTTTTTTTTCTTGCTTGCTT[A>G]AGGTTTTAATGTTCGTCTAAGTGGCCAAGATGTTGGTCGTGGAACTTTCAGTCAGAGGCA-3'

ClinVar aggregate classification (germline): Uncertain significance (1 of 4 stars; one submission).

Conditions:
2-aminoadipic 2-oxoadipic aciduria (AAKAD). Also called: ALPHA-AMINOADIPIC AND ALPHA-KETOADIPIC ACIDURIA; Aminoadipic aciduria. Identifiers: Orphanet 79154, MedGen C1859817, MONDO:0008774, OMIM 204750.

Submission:

Labcorp Genetics (formerly Invitae), Labcorp
Classification: Uncertain significance for 2-aminoadipic 2-oxoadipic aciduria. Last evaluated: 2024-10-28. Review status: criteria provided, single submitter. Criteria: Invitae Variant Classification Sherloc (09022015). Collection method: clinical testing. Allele origin: germline.
Comment: This sequence change falls in intron 9 of the DHTKD1 gene. It does not directly change the encoded amino acid sequence of the DHTKD1 protein. It affects a nucleotide within the consensus splice site. This variant is not present in population databases (gnomAD no frequency). This variant has not been reported in the literature in individuals affected with DHTKD1-related conditions. Variants that disrupt the consensus splice site are a relatively common cause of aberrant splicing (PMID: 17576681, 9536098). Algorithms developed to predict the effect of sequence changes on RNA splicing suggest that this variant is not likely to affect RNA splicing. In summary, the available evidence is currently insufficient to determine the role of this variant in disease. Therefore, it has been classified as a Variant of Uncertain Significance.

Literature cited by the submitters: PubMed 17576681; PubMed 9536098.